The following is an entry in ClinVar:

ClinVar aggregate classification (germline): Pathogenic. Review status: criteria provided, multiple submitters, no conflicts (2 of 4 stars). 2 submissions from 2 submitters: Pathogenic (2). Last evaluated 2025-11-12.

Conditions:
Telangiectasia, hereditary hemorrhagic, type 2 (HHT2). Also called: ACVRL1-Related Hereditary Hemorrhagic Telangiectasia; Telangiectasia, hereditary hemorrhagic, type II. Identifiers: Orphanet 774, MedGen C1838163, MONDO:0010880, OMIM 600376. Disease mechanism: loss of function.

Submissions (2):

Labcorp Genetics (formerly Invitae), Labcorp
Classification: Pathogenic for Telangiectasia, hereditary hemorrhagic, type 2. Last evaluated: 2025-11-12. Review status: criteria provided, single submitter. Criteria: Invitae Variant Classification Sherloc (09022015). Collection method: clinical testing. Allele origin: germline.
Comment: This sequence change creates a premature translational stop signal (p.Gln169*) in the ACVRL1 gene. It is expected to result in an absent or disrupted protein product. Loss-of-function variants in ACVRL1 are known to be pathogenic (PMID: 15879500). This variant is not present in population databases (gnomAD no frequency). This premature translational stop signal has been observed in individual(s) with hereditary hemorrhagic telangiectasia (PMID: 24196379). ClinVar contains an entry for this variant (Variation ID: 1322799). Algorithms developed to predict the effect of sequence changes on RNA splicing suggest that this variant may disrupt the consensus splice site. For these reasons, this variant has been classified as Pathogenic.

Revvity Omics, Revvity
Classification: Pathogenic for Telangiectasia, hereditary hemorrhagic, type 2. Last evaluated: 2019-05-28. Review status: criteria provided, single submitter. Criteria: ACMG Guidelines, 2015. Collection method: clinical testing. Allele origin: germline.

Literature cited by the submitters: PubMed 15879500 (cited by Labcorp Genetics (formerly Invitae), Labcorp); PubMed 24196379 (cited by Labcorp Genetics (formerly Invitae), Labcorp).

NM_000020.3(ACVRL1):c.505C>T (p.Gln169Ter)

Gene: ACVRL1 (activin A receptor like type 1; plus strand). Cytogenetic location: 12q13.13.
Variant type: single nucleotide variant.
Coding change: c.505C>T on transcript NM_000020.3 (MANE Select); coding-DNA position 505, C replaced by T.
Protein change: p.Gln169Ter; replaces glutamine 169 with a stop codon.
Molecular consequence: nonsense.
Genome position (GRCh38, 1-based): chr12:51,913,750, C>T. VCF-style: chr12-51913750-C-T. GRCh37 (hg19) VCF-style: chr12-52307534-C-T.
Other names: c.505C>T, p.Gln169Ter (NM_001077401.2); short protein forms Q169*.
Identifiers: ClinVar variation 1322799 (VCV001322799.5), dbSNP rs2139067861, ClinGen allele CA384899236.
Genomic context (GRCh38, chr12:51,913,750, plus strand): 5'-AAGCAGCGTGGCCTGCACAGCGAGCTGGGAGAGTCCAGTCTCATCCTGAAAGCATCTGAG[C>T]AGGGCGACAGCATGTTGGGGGTATGGGCCTGGGGACCTGGGACACAGGGTGTAGGAGGGG-3'